The following is an entry in ClinVar:

NM_000384.3(APOB):c.9632dup (p.Asn3211fs)

Gene: APOB (apolipoprotein B; minus strand). Cytogenetic location: 2p24.1.
Variant type: Duplication.
Coding change: c.9632dup on transcript NM_000384.3 (MANE Select); coding-DNA position 9632, one base duplicated (A; older notation c.9632dupA).
Protein change: p.Asn3211fs; shifts the reading frame from asparagine 3211.
Molecular consequence: frameshift variant.
Genome position (GRCh38, 1-based): chr2:21,007,236, T duplicated on the plus strand (A on the coding strand, the reverse complement: APOB is on the minus strand); the first of 7 consecutive T bases (chr2:21,007,236-21,007,242); duplicating any one gives the same sequence. VCF-style (leftmost placement, unchanged base first): chr2-21007235-G-GT. GRCh37 (hg19) VCF-style: chr2-21230107-G-GT.
Other names: short protein forms N3211fs.
Identifiers: ClinVar variation 1678797 (VCV001678797.9), dbSNP rs2103352780, ClinGen allele CA531312727.

ClinVar aggregate classification (germline): Pathogenic. Review status: criteria provided, multiple submitters, no conflicts (2 of 4 stars). 2 submissions from 2 submitters: Pathogenic (2). Last evaluated 2025-12-19.

Conditions:
Familial hypobetalipoproteinemia 1. Also called: Hypobetalipoproteinemia, normotriglyceridemic; Acanthocytosis with hypobetalipoproteinemia; APOB-Related Familial Hypobetalipoproteinemia. Identifiers: MedGen C4551990, MONDO:0014252, OMIM 615558.
Hypercholesterolemia, autosomal dominant, type B (FHCL2). Also called: APOLIPOPROTEIN B-100, FAMILIAL DEFECTIVE; APOLIPOPROTEIN B-100, FAMILIAL LIGAND-DEFECTIVE; Familial hypercholesterolemia 2; APOB-Related Familial Hypercholesterolemia, Autosomal Dominant; Familial Hypercholesterolemia Type B; HYPERCHOLESTEROLEMIA, FAMILIAL, DUE TO LIGAND-DEFECTIVE APOLIPOPROTEIN B. Identifiers: MedGen C1704417, MONDO:0007751, OMIM 144010.

Submissions (2):

GeneDx
Classification: Pathogenic. Last evaluated: 2025-12-19. Review status: criteria provided, single submitter. Criteria: GeneDx Variant Classification Process June 2021. Collection method: clinical testing. Allele origin: germline. Affected: yes.
Comment: Frameshift variant predicted to result in protein truncation or nonsense mediated decay in a gene for which loss of function is a known mechanism of disease; Not observed at significant frequency in large population cohorts (gnomAD); This variant is associated with the following publications: (PMID: 7947592)

Labcorp Genetics (formerly Invitae), Labcorp
Classification: Pathogenic for Familial hypobetalipoproteinemia 1; Hypercholesterolemia, autosomal dominant, type B. Last evaluated: 2025-07-16. Review status: criteria provided, single submitter. Criteria: Invitae Variant Classification Sherloc (09022015). Collection method: clinical testing. Allele origin: germline.
Comment: This sequence change creates a premature translational stop signal (p.Asn3211Lysfs*14) in the APOB gene. It is expected to result in an absent or disrupted protein product. Loss-of-function variants in APOB are known to be pathogenic (PMID: 20032471). This variant is not present in population databases (gnomAD no frequency). This premature translational stop signal has been observed in individual(s) with hypobetalipoproteinemia (PMID: 7947592). This variant is also known as insertion of A into 7-A repeats between 9754 and 9760. ClinVar contains an entry for this variant (Variation ID: 1678797). For these reasons, this variant has been classified as Pathogenic.

Literature cited by the submitters: PubMed 20032471 (cited by Labcorp Genetics (formerly Invitae), Labcorp); PubMed 7947592 (cited by Labcorp Genetics (formerly Invitae), Labcorp).